The following is an entry in ClinVar:

ClinVar aggregate classification (germline): Likely pathogenic (1 of 4 stars; one submission).

Conditions:
Anemia, nonspherocytic hemolytic, due to G6PD deficiency (CNSHA1). Also called: Hemolytic anemia due to G6PD deficiency; Favism, susceptibility to; Class I glucose-6-phosphate dehydrogenase deficiency; ANEMIA, CONGENITAL, NONSPHEROCYTIC HEMOLYTIC, 1. Identifiers: Orphanet 466026, MedGen C2720289, MONDO:0010480, OMIM 300908.

Submission:

Dunham Lab, University of Washington
Classification: Likely pathogenic for Anemia, nonspherocytic hemolytic, due to G6PD deficiency. Last evaluated: 2022-08-12. Review status: criteria provided, single submitter. Criteria: Bayesian ACMG Guidelines, 2018. Collection method: curation. Allele origin: unknown. Affected: yes.
Comment: Decreased activity in red blood cells of hemizygote (PS3). Not observed in gnomAD (PM2). Leads to deletion of one amino acid (PM4). Post_P 0.988 (odds of pathogenicity 729.3, Prior_P 0.1).

Literature cited by the submitters: DOI 10.3923/pjbs.2006.1605.1616.

NM_001360016.2(G6PD):c.520_522del (p.Gly174del)

Gene: G6PD (glucose-6-phosphate dehydrogenase; minus strand). Cytogenetic location: Xq28.
Variant type: Deletion.
Coding change: c.520_522del on transcript NM_001360016.2 (MANE Select); coding-DNA positions 520 to 522, 3 bases deleted (GGG; older notation c.520_522delGGG).
Protein change: p.Gly174del; deletes glycine 174.
Genome position (GRCh38, 1-based): chrX:154,534,460-154,534,462, CCC deleted on the plus strand (GGG on the coding strand, the reverse complement: G6PD is on the minus strand). VCF-style (leftmost placement, unchanged base first): chrX-154534459-TCCC-T. GRCh37 (hg19) VCF-style: chrX-153762674-TCCC-T.
Other names: G6PD Taif; c.610_612del, p.Gly204del (NM_000402.4); c.520_522del, p.Gly174del (NM_001042351.3); short protein forms G174del, G204del.
Identifiers: ClinVar variation 3384145 (VCV003384145.1).
Genomic context (GRCh38, chrX:154,534,459, plus strand): 5'-GGTCCTCACGGAACAGGGAGGAGATGTGGTTGGACAGCCGGTCAGAGCTCTGCAGGTCCC[TCCC>T]GAAGGGCTTCTCCACGATGATGCGGTTCCAGCCTCTGCTGGGAGCCCGGAGCTGCGTTAC-3'